The following is an entry in ClinVar:

ClinVar aggregate classification (germline): Uncertain significance (1 of 4 stars; one submission).

Conditions:
SEMA3C-related disorder. Also called: SEMA3C-related condition.

gnomAD v4.1: 4 of 1,613,248 alleles (0.00025%); highest among the groups gnomAD compares: African/African-American, 0.0053%; no homozygotes.

Submission:

PreventionGenetics, part of Exact Sciences
Classification: Uncertain significance for SEMA3C-related condition. Last evaluated: 2025-10-16. Review status: criteria provided, single submitter. Criteria: ACMG Guidelines, 2015. Collection method: clinical testing. Allele origin: germline.
Comment: The SEMA3C c.1807A>C variant is predicted to result in the amino acid substitution p.Asn603His. To our knowledge, this variant has not been reported in the literature. This variant is reported in 0.0080% of alleles in individuals of African descent in gnomAD. At this time, the clinical significance of this variant is uncertain due to the absence of conclusive functional and genetic evidence.

NM_006379.5(SEMA3C):c.1753A>C (p.Asn585His)

Gene: SEMA3C (semaphorin 3C; minus strand). Cytogenetic location: 7q21.11.
Variant type: single nucleotide variant.
Coding change: c.1753A>C on transcript NM_006379.5 (MANE Select); coding-DNA position 1753, A replaced by C.
Protein change: p.Asn585His; replaces asparagine 585 with histidine.
Molecular consequence: missense variant.
Genome position (GRCh38, 1-based): chr7:80,748,987, T>G on the plus strand (A>C on the coding strand, the complement: SEMA3C is on the minus strand). VCF-style: chr7-80748987-T-G. GRCh37 (hg19) VCF-style: chr7-80378303-T-G.
Other names: c.1807A>C, p.Asn603His (NM_001350120.2); c.1579A>C, p.Asn527His (NM_001350121.2); short protein forms N585H, N603H, N527H.
Identifiers: ClinVar variation 4989931 (VCV004989931.1).